The following is an entry in ClinVar:

NM_000038.6(APC):c.7349dup (p.Thr2451fs)

Gene: APC (APC regulator of Wnt signaling pathway; plus strand). Cytogenetic location: 5q22.2.
Variant type: Duplication.
Coding change: c.7349dup on transcript NM_000038.6 (MANE Select); coding-DNA position 7349, one base duplicated (C; older notation c.7349dupC).
Protein change: p.Thr2451fs; shifts the reading frame from threonine 2451.
Molecular consequence: frameshift variant. On other transcripts: non-coding transcript variant (2).
Genome position (GRCh38, 1-based): chr5:112,842,943, C duplicated; the last of 3 consecutive C bases (chr5:112,842,941-112,842,943); duplicating any one gives the same sequence. VCF-style (leftmost placement, unchanged base first): chr5-112842940-G-GC. GRCh37 (hg19) VCF-style: chr5-112178637-G-GC.
Other names: c.7100dup, p.Thr2368fs (NM_001407457.1, NM_001407454.1, NM_001407455.1 and 1 more transcripts); c.7046dup, p.Thr2350fs (NM_001407458.1, NM_001407459.1, NM_001407460.1 and 1 more transcripts); c.6962dup, p.Thr2322fs (NM_001407467.1, NM_001407469.1); c.6197dup, p.Thr2067fs (NM_001407472.1, NM_001407471.1); c.6500dup, p.Thr2168fs (NM_001407470.1, NM_001354906.2); c.7349dup, p.Thr2451fs (NM_001127510.3, NM_001354895.2, NM_001407450.1); c.7295dup, p.Thr2433fs (NM_001127511.3); c.7403dup, p.Thr2469fs (NM_001354896.2, NM_001407447.1, NM_001407448.1 and 1 more transcripts); and 11 more; short protein forms T2350fs, T2479fs, T2067fs, T2360fs, T2392fs, T2410fs, T2426fs, T2444fs.
Identifiers: ClinVar variation 2770923 (VCV002770923.3), dbSNP rs2533786519, ClinGen allele CA2697546402.
Genomic context (GRCh38, chr5:112,842,940, plus strand): 5'-CTGATAGATCAGAAAGACCTGTATTAGTACGCCAGTCAACTTTCATCAAAGAAGCTCCAA[G>GC]CCCAACCTTAAGAAGAAAATTGGAGGAATCTGCTTCATTTGAATCTCTTTCTCCATCATC-3'

ClinVar aggregate classification (germline): Pathogenic (1 of 4 stars; one submission).

Conditions:
Familial adenomatous polyposis 1 (FAP1). Also called: POLYPOSIS, ADENOMATOUS INTESTINAL; FAMILIAL ADENOMATOUS POLYPOSIS 1, ATTENUATED. Identifiers: MedGen C2713442, MONDO:0021056, OMIM 175100. Disease mechanism: loss of function.

Submission:

Labcorp Genetics (formerly Invitae), Labcorp
Classification: Pathogenic for Familial adenomatous polyposis 1. Last evaluated: 2024-09-09. Review status: criteria provided, single submitter. Criteria: Invitae Variant Classification Sherloc (09022015). Collection method: clinical testing. Allele origin: germline.
Comment: This sequence change creates a premature translational stop signal (p.Thr2451Asnfs*13) in the APC gene. While this is not anticipated to result in nonsense mediated decay, it is expected to disrupt the last 393 amino acid(s) of the APC protein. This variant is not present in population databases (gnomAD no frequency). This variant has not been reported in the literature in individuals affected with APC-related conditions. This variant is expected to disrupt the EB1 and HDLG binding sites, which mediate interactions with the cytoskeleton (PMID: 15311282, 17293347). While functional studies have not been performed to directly test the effect on APC protein function, this suggests that disruption of the C-terminal portion of the protein is functionally important. A different truncation (p.Tyr2645Lysfs*14) that lies downstream of this variant has been determined to be pathogenic (PMID: 9824584, 1316610, 27081525, 8381579, 22135120, internal data). This suggests that deletion of this region of the APC protein is causative of disease. For these reasons, this variant has been classified as Pathogenic.

Literature cited by the submitters: PubMed 15311282; PubMed 17293347; PubMed 9824584; PubMed 1316610; PubMed 27081525; PubMed 8381579; PubMed 22135120.